The following is an entry in ClinVar:

ClinVar aggregate classification (germline): Uncertain significance (1 of 4 stars; one submission).

Submission:

GeneDx
Classification: Uncertain significance. Last evaluated: 2024-05-05. Review status: criteria provided, single submitter. Criteria: GeneDx Variant Classification Process June 2021. Collection method: clinical testing. Allele origin: germline. Affected: yes.
Comment: Not observed at significant frequency in large population cohorts (gnomAD); In silico analysis supports that this missense variant has a deleterious effect on protein structure/function; Has not been previously published as pathogenic or benign to our knowledge

NM_017780.4(CHD7):c.1625C>T (p.Pro542Leu)

Gene: CHD7 (chromodomain helicase DNA binding protein 7; plus strand). Cytogenetic location: 8q12.2.
Variant type: single nucleotide variant.
Coding change: c.1625C>T on transcript NM_017780.4 (MANE Select); coding-DNA position 1625, C replaced by T.
Protein change: p.Pro542Leu; replaces proline 542 with leucine.
Molecular consequence: missense variant.
Genome position (GRCh38, 1-based): chr8:60,743,057, C>T. VCF-style: chr8-60743057-C-T. GRCh37 (hg19) VCF-style: chr8-61655616-C-T.
Other names: c.1625C>T, p.Pro542Leu (NM_001316690.1); short protein forms P542L.
Identifiers: ClinVar variation 3376105 (VCV003376105.1).